The following is an entry in ClinVar:

ClinVar aggregate classification (germline): Pathogenic (1 of 4 stars; one submission).

Submission:

GeneDx
Classification: Pathogenic. Last evaluated: 2018-11-21. Review status: criteria provided, single submitter. Criteria: GeneDx Variant Classification (06012015). Collection method: clinical testing. Allele origin: germline. Affected: yes.
Comment: The c.295_299delGATTCinsACG variant in the CHRNB1 gene has not been reported previously as apathogenic variant nor as a benign variant, to our knowledge. The c.295_299delGATTCinsACGvariant causes a frameshift starting with codon Aspartic acid 99, changes this amino acid to aThreonine residue, and creates a premature Stop codon at position 13 of the new reading frame,denoted p.D99TfsX13. This variant is predicted to cause loss of normal protein function eitherthrough protein truncation or nonsense-mediated mRNA decay. The c.295_299delGATTCinsACGvariant is not observed in large population cohorts (Lek et al., 2016; 1000 Genomes Consortium etal., 2015; Exome Variant Server). We interpret c.295_299delGATTCinsACG as a pathogenic variant.

NM_000747.3(CHRNB1):c.295_299delinsACG (p.Asp99fs)

Gene: CHRNB1 (cholinergic receptor nicotinic beta 1 subunit; plus strand). Cytogenetic location: 17p13.1.
Variant type: Indel.
Coding change: c.295_299delinsACG on transcript NM_000747.3 (MANE Select); coding-DNA positions 295 to 299, GATTC replaced by ACG.
Protein change: p.Asp99fs; shifts the reading frame from aspartic acid 99.
Molecular consequence: frameshift variant.
Genome position (GRCh38, 1-based): chr17:7,446,884-7,446,888, GATTC replaced by ACG. VCF-style: chr17-7446884-GATTC-ACG. GRCh37 (hg19) VCF-style: chr17-7350203-GATTC-ACG.
Other names: short protein forms D99fs.
Identifiers: ClinVar variation 430426 (VCV000430426.2), dbSNP rs1131691957, ClinGen allele CA645369683.
Genomic context (GRCh38, chr17:7,446,884, plus strand): 5'-CTTCACTAGGAGTGGACTGACTACAGGCTGAGCTGGGACCCTGCGGAGCACGACGGCATC[GATTC>ACG]GCTCCGCATCACGGCGGAATCCGTGTGGCTCCCTGACGTGGTGCTACTGAACAAGTAGGA-3'